The following is an entry in ClinVar:

NM_006267.5(RANBP2):c.7850-12C>G

Gene: RANBP2 (RAN binding protein 2; plus strand). Cytogenetic location: 2q13.
Variant type: single nucleotide variant.
Coding change: c.7850-12C>G on transcript NM_006267.5 (MANE Select); 12 bases into the intron before coding-DNA position 7850, C replaced by G.
Molecular consequence: intron variant.
Genome position (GRCh38, 1-based): chr2:108,771,689, C>G. VCF-style: chr2-108771689-C-G. GRCh37 (hg19) VCF-style: chr2-109388145-C-G.
Other names: c.7928-12C>G (NM_001415871.1); c.7850-12C>G (NM_001415873.1); c.7847-12C>G (NM_001415872.1).
Identifiers: ClinVar variation 5040148 (VCV005040148.1).

ClinVar aggregate classification (germline): Uncertain significance (1 of 4 stars; one submission).

Submission:

CeGaT Center for Human Genetics Tuebingen
Classification: Uncertain significance. Last evaluated: 2026-07-01. Review status: criteria provided, single submitter. Criteria: CeGaT Center For Human Genetics Tuebingen Variant Classification Criteria Version 2. Collection method: clinical testing. Allele origin: germline. Affected: yes. Observed: 1 variant allele.
Comment: RANBP2: PM2, PP3